The following is an entry in ClinVar:

ClinVar aggregate classification (germline): Pathogenic. Review status: criteria provided, multiple submitters, no conflicts (2 of 4 stars). 2 submissions from 2 submitters: Pathogenic (2). Last evaluated 2025-05-13.

Conditions:
ALG6-congenital disorder of glycosylation 1C (CDG1C). Also called: CARBOHYDRATE-DEFICIENT GLYCOPROTEIN SYNDROME, TYPE I, WITH DEFICIENT GLYCOSYLATION OF DOLICHOL-LINKED OLIGOSACCHARIDE; CARBOHYDRATE-DEFICIENT GLYCOPROTEIN SYNDROME, TYPE V; CDG Ic; Congenital disorder of glycosylation type 1C; Congenital disorder of glycosylation, type Ic. Identifiers: Orphanet 79320, MedGen C2930997, MONDO:0011291, OMIM 603147.

Submissions (2):

Myriad Genetics, Inc.
Classification: Pathogenic for ALG6-congenital disorder of glycosylation 1C. Last evaluated: 2025-05-13. Review status: criteria provided, single submitter. Criteria: Myriad Autosomal Dominant, Autosomal Recessive and X-Linked Classification Criteria (2023). Collection method: clinical testing. Allele origin: unknown.
Comment: NM_013339.3(ALG6):c.168G>A(W56*) is expected to be pathogenic in the context of congenital disorder of glycosylation, ALG6-related. This variant is predicted to lead to an abnormal or absent protein product due to the creation of a premature termination codon in ALG6, a gene where loss-of-function variants are known to be pathogenic. Please note: this variant was assessed in the context of healthy population screening.

Labcorp Genetics (formerly Invitae), Labcorp
Classification: Pathogenic for ALG6-congenital disorder of glycosylation 1C. Last evaluated: 2023-05-09. Review status: criteria provided, single submitter. Criteria: Invitae Variant Classification Sherloc (09022015). Collection method: clinical testing. Allele origin: germline.
Comment: This sequence change creates a premature translational stop signal (p.Trp56*) in the ALG6 gene. It is expected to result in an absent or disrupted protein product. Loss-of-function variants in ALG6 are known to be pathogenic (PMID: 19862844). This variant is not present in population databases (gnomAD no frequency). This variant has not been reported in the literature in individuals affected with ALG6-related conditions. For these reasons, this variant has been classified as Pathogenic.

Literature cited by the submitters: PubMed 19862844 (cited by Labcorp Genetics (formerly Invitae), Labcorp).

NM_013339.4(ALG6):c.168G>A (p.Trp56Ter)

Gene: ALG6 (ALG6 alpha-1,3-glucosyltransferase; plus strand). Cytogenetic location: 1p31.3.
Variant type: single nucleotide variant.
Coding change: c.168G>A on transcript NM_013339.4 (MANE Select); coding-DNA position 168, G replaced by A.
Protein change: p.Trp56Ter; replaces tryptophan 56 with a stop codon.
Molecular consequence: nonsense.
Genome position (GRCh38, 1-based): chr1:63,402,254, G>A. VCF-style: chr1-63402254-G-A. GRCh37 (hg19) VCF-style: chr1-63867925-G-A.
Other names: short protein forms W56*.
Identifiers: ClinVar variation 2729920 (VCV002729920.4), dbSNP rs2523723187, ClinGen allele CA340634030.